The following is an entry in ClinVar:

NM_001244008.2(KIF1A):c.3750-2A>G

Genes: KIF1A (kinesin family member 1A; minus strand), LOC126806583 (P300/CBP strongly-dependent group 1 enhancer GRCh37_chr2:241678910-241680109; plus strand). Cytogenetic location: 2q37.3.
Variant type: single nucleotide variant.
Coding change: c.3750-2A>G on transcript NM_001244008.2 (MANE Select); the canonical splice acceptor site of the intron before coding-DNA position 3750, A replaced by G.
Molecular consequence: splice acceptor variant.
Genome position (GRCh38, 1-based): chr2:240,740,366, T>C on the plus strand (A>G on the coding strand, the complement: KIF1A is on the minus strand). VCF-style: chr2-240740366-T-C. GRCh37 (hg19) VCF-style: chr2-241679783-T-C.
Other names: c.3447-2A>G (NM_001379653.1, NM_001379650.1, NM_001379641.1 and 5 more transcripts); c.3723-2A>G (NM_001379645.1, NM_001379633.1, NM_001379642.1); c.3549-2A>G (NM_001379635.1, NM_001330290.2, NM_001379646.1 and 1 more transcripts); c.3444-2A>G (NM_001379640.1); c.3699-2A>G (NM_001379632.1); c.3522-2A>G (NM_001379637.1, NM_001379648.1); c.3474-2A>G (NM_001320705.2, NM_001379638.1, NM_001330289.2); c.3825-2A>G (NM_001379631.1).
Identifiers: ClinVar variation 3755265 (VCV003755265.2).

ClinVar aggregate classification (germline): Likely pathogenic (1 of 4 stars; one submission).

Conditions:
Neuropathy, hereditary sensory, type 2C. Also called: KIF1A-Related HSAN2 (HSAN2C); Hereditary sensory and autonomic neuropathy type IIC. Identifiers: Orphanet 970, MedGen C3280168, MONDO:0013634, OMIM 614213.
Hereditary spastic paraplegia 30. Identifiers: Orphanet 101010, MedGen C5235139, MONDO:0012476.
Intellectual disability, autosomal dominant 9 (NESCAVS). Also called: KIF1A-Related Neurodevelopmental Disorder; NESCAV SYNDROME. Identifiers: Orphanet 662367, MedGen C5393830, MONDO:0013656, OMIM 614255.

Submission:

Labcorp Genetics (formerly Invitae), Labcorp
Classification: Likely pathogenic for Hereditary spastic paraplegia 30; Neuropathy, hereditary sensory, type 2C; Intellectual disability, autosomal dominant 9. Last evaluated: 2024-03-13. Review status: criteria provided, single submitter. Criteria: Invitae Variant Classification Sherloc (09022015). Collection method: clinical testing. Allele origin: germline.
Comment: This sequence change affects an acceptor splice site in intron 32 of the KIF1A gene. It is expected to disrupt RNA splicing. Variants that disrupt the donor or acceptor splice site typically lead to a loss of protein function (PMID: 16199547), and loss-of-function variants in KIF1A are known to be pathogenic (PMID: 21820098). This variant is not present in population databases (gnomAD no frequency). This variant has not been reported in the literature in individuals affected with KIF1A-related conditions. Algorithms developed to predict the effect of sequence changes on RNA splicing suggest that this variant may disrupt the consensus splice site. In summary, the currently available evidence indicates that the variant is pathogenic, but additional data are needed to prove that conclusively. Therefore, this variant has been classified as Likely Pathogenic.

Literature cited by the submitters: PubMed 16199547; PubMed 21820098.